The following is an entry in ClinVar:

ClinVar aggregate classification (germline): Uncertain significance (1 of 4 stars; one submission).

gnomAD v4.1: 53 of 1,613,766 alleles (0.0033%); highest among the groups gnomAD compares: Non-Finnish European, 0.0044%; no homozygotes.

Submission:

Labcorp Genetics (formerly Invitae), Labcorp
Classification: Uncertain significance. Last evaluated: 2025-12-02. Review status: criteria provided, single submitter. Criteria: Invitae Variant Classification Sherloc (09022015). Collection method: clinical testing. Allele origin: germline.
Comment: This sequence change replaces isoleucine, which is neutral and non-polar, with threonine, which is neutral and polar, at codon 162 of the RHAG protein (p.Ile162Thr). This variant is present in population databases (rs374926938, gnomAD 0.006%). This variant has not been reported in the literature in individuals affected with RHAG-related conditions. Invitae Evidence Modeling of protein sequence and biophysical properties (such as structural, functional, and spatial information, amino acid conservation, physicochemical variation, residue mobility, and thermodynamic stability) indicates that this missense variant is not expected to disrupt RHAG protein function with a negative predictive value of 80%. In summary, the available evidence is currently insufficient to determine the role of this variant in disease. Therefore, it has been classified as a Variant of Uncertain Significance.

NM_000324.3(RHAG):c.485T>C (p.Ile162Thr)

Gene: RHAG (Rh associated glycoprotein; minus strand). Cytogenetic location: 6p12.3.
Variant type: single nucleotide variant.
Coding change: c.485T>C on transcript NM_000324.3 (MANE Select); coding-DNA position 485, T replaced by C.
Protein change: p.Ile162Thr; replaces isoleucine 162 with threonine.
Molecular consequence: missense variant.
Genome position (GRCh38, 1-based): chr6:49,618,075, A>G on the plus strand (T>C on the coding strand, the complement: RHAG is on the minus strand). VCF-style: chr6-49618075-A-G. GRCh37 (hg19) VCF-style: chr6-49585788-A-G.
Other names: short protein forms I162T.
Identifiers: ClinVar variation 4700331 (VCV004700331.1).
Genomic context (GRCh38, chr6:49,618,075, plus strand): 5'-GTAGCCAGAACTGATGCCCAAAGCTAGGAAAGTATAAATTTTCTAACTCTTACCTTAAAT[A>G]TTTCACTAACCAGGTATTCATTGTGGGCAAAGAAAACAATTTCTAAAATTGTCATGATCA-3'
Protein context (NP_000315.2, residues 152-172): FAHNEYLVSE[Ile162Thr]FKASDIGASM